The following is an entry in ClinVar:

NM_001429.4(EP300):c.5880dup (p.Pro1961fs)

Gene: EP300 (EP300 lysine acetyltransferase; plus strand). Cytogenetic location: 22q13.2.
Variant type: Duplication.
Coding change: c.5880dup on transcript NM_001429.4 (MANE Select); coding-DNA position 5880, one base duplicated (T; older notation c.5880dupT).
Protein change: p.Pro1961fs; shifts the reading frame from proline 1961.
Molecular consequence: frameshift variant.
Genome position (GRCh38, 1-based): chr22:41,177,591, T duplicated. VCF-style (leftmost placement, unchanged base first): chr22-41177590-C-CT. GRCh37 (hg19) VCF-style: chr22-41573594-C-CT.
Other names: c.5802dup, p.Pro1935fs (NM_001362843.2); short protein forms P1935fs, P1961fs.
Identifiers: ClinVar variation 2126804 (VCV002126804.5), dbSNP rs2517833527, ClinGen allele CA2580099817.
Genomic context (GRCh38, chr22:41,177,590, plus strand): 5'-GCCAGATGGCCCACGTGCAAATTTTTCAAAGGCCAATCCAACACCAGATGCCCCCGATGA[C>CT]TCCCATGGCCCCCATGGGTATGAACCCACCTCCCATGACCAGAGGTCCCAGTGGGCATTT-3'

ClinVar aggregate classification (germline): Pathogenic/Likely pathogenic. Review status: criteria provided, multiple submitters, no conflicts (2 of 4 stars). 2 submissions from 2 submitters: Pathogenic (1); Likely pathogenic (1). Last evaluated 2022-06-05.

Conditions:
EP300-related disorder. Also called: EP300-related disorders; EP300-related condition.
Rubinstein-Taybi syndrome due to EP300 haploinsufficiency. Also called: EP300-Related Rubinstein-Taybi Syndrome; RUBINSTEIN-TAYBI SYNDROME 2. Identifiers: Orphanet 353284, Orphanet 783, MedGen C3150941, MONDO:0013364, OMIM 613684.

Submissions (2):

Blueprint Genetics
Classification: Likely pathogenic for EP300-related disorders. Last evaluated: 2022-06-05. Review status: criteria provided, single submitter. Criteria: ACMG Guidelines, 2015. Collection method: clinical testing. Allele origin: germline. Affected: yes. Observed: 1 variant allele.

Labcorp Genetics (formerly Invitae), Labcorp
Classification: Pathogenic for Rubinstein-Taybi syndrome due to EP300 haploinsufficiency. Last evaluated: 2022-04-16. Review status: criteria provided, single submitter. Criteria: Invitae Variant Classification Sherloc (09022015). Collection method: clinical testing. Allele origin: germline.
Comment: For these reasons, this variant has been classified as Pathogenic. This variant disrupts a region of the EP300 protein in which other variant(s) (p.Gly1966Valfs*2) have been determined to be pathogenic (Invitae). This suggests that this is a clinically significant region of the protein, and that variants that disrupt it are likely to be disease-causing. This variant has not been reported in the literature in individuals affected with EP300-related conditions. This variant is not present in population databases (gnomAD no frequency). This sequence change creates a premature translational stop signal (p.Pro1961Serfs*112) in the EP300 gene. While this is not anticipated to result in nonsense mediated decay, it is expected to disrupt the last 454 amino acid(s) of the EP300 protein.